The following is an entry in ClinVar:

NM_001386298.1(CIC):c.1008A>G (p.Leu336=)

Gene: CIC (capicua transcriptional repressor; plus strand). Cytogenetic location: 19q13.2.
Variant type: single nucleotide variant.
Coding change: c.1008A>G on transcript NM_001386298.1 (MANE Select); coding-DNA position 1008, A replaced by G.
Protein change: p.Leu336=; no amino-acid change (leucine 336 retained).
Molecular consequence: synonymous variant.
Genome position (GRCh38, 1-based): chr19:42,272,791, A>G. VCF-style: chr19-42272791-A-G. GRCh37 (hg19) VCF-style: chr19-42776943-A-G.
Other names: c.1008A>G, p.Leu336= (NM_001304815.2, NM_001379480.1, NM_001379482.1 and 1 more transcripts).
Identifiers: ClinVar variation 2649952 (VCV002649952.24), dbSNP rs1223108405, ClinGen allele CA507701798.

ClinVar aggregate classification (germline): Likely benign (1 of 4 stars; one submission).

Allele frequency attached by ClinVar (database versions not stated): gnomAD 0.00001.

Submission:

CeGaT Center for Human Genetics Tuebingen
Classification: Likely benign. Last evaluated: 2022-07-01. Review status: criteria provided, single submitter. Criteria: CeGaT Center For Human Genetics Tuebingen Variant Classification Criteria Version 2. Collection method: clinical testing. Allele origin: germline. Affected: yes. Observed: 1 variant allele.
Comment: CIC: BP4, BP7